The following is an entry in ClinVar:

NM_014862.4(ARNT2):c.7A>G (p.Thr3Ala)

Gene: ARNT2 (aryl hydrocarbon receptor nuclear translocator 2; plus strand). Cytogenetic location: 15q25.1.
Variant type: single nucleotide variant.
Coding change: c.7A>G on transcript NM_014862.4 (MANE Select); coding-DNA position 7, A replaced by G.
Protein change: p.Thr3Ala; replaces threonine 3 with alanine.
Molecular consequence: missense variant.
Genome position (GRCh38, 1-based): chr15:80,404,522, A>G. VCF-style: chr15-80404522-A-G. GRCh37 (hg19) VCF-style: chr15-80696864-A-G.
Other names: short protein forms T3A.
Identifiers: ClinVar variation 2111092 (VCV002111092.4), dbSNP rs2505166930, ClinGen allele CA393653196.

ClinVar aggregate classification (germline): Uncertain significance (1 of 4 stars; one submission).

Submission:

Labcorp Genetics (formerly Invitae), Labcorp
Classification: Uncertain significance. Last evaluated: 2022-06-04. Review status: criteria provided, single submitter. Criteria: Invitae Variant Classification Sherloc (09022015). Collection method: clinical testing. Allele origin: germline.
Comment: In summary, the available evidence is currently insufficient to determine the role of this variant in disease. Therefore, it has been classified as a Variant of Uncertain Significance. Algorithms developed to predict the effect of missense changes on protein structure and function (SIFT, PolyPhen-2, Align-GVGD) all suggest that this variant is likely to be tolerated. This variant has not been reported in the literature in individuals affected with ARNT2-related conditions. This variant is not present in population databases (gnomAD no frequency). This sequence change replaces threonine, which is neutral and polar, with alanine, which is neutral and non-polar, at codon 3 of the ARNT2 protein (p.Thr3Ala).